The following is an entry in ClinVar:

ClinVar aggregate classification (germline): Uncertain significance (1 of 4 stars; one submission).

Conditions:
Pitt-Hopkins-like syndrome 2 (PTHSL2). Identifiers: Orphanet 221150, Orphanet 600663, MedGen C3280479, MONDO:0013690, OMIM 614325.

gnomAD v4.1: 1 of 1,614,104 alleles (0.000062%); highest among the groups gnomAD compares: Non-Finnish European, 0.000085%; no homozygotes.

Submission:

Labcorp Genetics (formerly Invitae), Labcorp
Classification: Uncertain significance for Pitt-Hopkins-like syndrome 2. Last evaluated: 2023-06-04. Review status: criteria provided, single submitter. Criteria: Invitae Variant Classification Sherloc (09022015). Collection method: clinical testing. Allele origin: germline.
Comment: Advanced modeling of protein sequence and biophysical properties (such as structural, functional, and spatial information, amino acid conservation, physicochemical variation, residue mobility, and thermodynamic stability) performed at Invitae indicates that this missense variant is expected to disrupt NRXN1 protein function. In summary, the available evidence is currently insufficient to determine the role of this variant in disease. Therefore, it has been classified as a Variant of Uncertain Significance. This variant has not been reported in the literature in individuals affected with NRXN1-related conditions. This variant is not present in population databases (gnomAD no frequency). This sequence change replaces arginine, which is basic and polar, with leucine, which is neutral and non-polar, at codon 1498 of the NRXN1 protein (p.Arg1498Leu).

NM_001330078.2(NRXN1):c.4373G>T (p.Arg1458Leu)

Gene: NRXN1 (neurexin 1; minus strand). Cytogenetic location: 2p16.3.
Variant type: single nucleotide variant.
Coding change: c.4373G>T on transcript NM_001330078.2 (MANE Select); coding-DNA position 4373, G replaced by T.
Protein change: p.Arg1458Leu; replaces arginine 1458 with leucine.
Molecular consequence: missense variant.
Genome position (GRCh38, 1-based): chr2:49,922,095, C>A on the plus strand (G>T on the coding strand, the complement: NRXN1 is on the minus strand). VCF-style: chr2-49922095-C-A. GRCh37 (hg19) VCF-style: chr2-50149233-C-A.
Other names: c.1178G>T, p.Arg393Leu (NM_138735.5); c.1169G>T, p.Arg390Leu (NM_001330097.2); c.4283G>T, p.Arg1428Leu (NM_004801.6); c.4493G>T, p.Arg1498Leu (NM_001135659.3); c.278G>T, p.Arg93Leu (NM_001320156.4); c.269G>T, p.Arg90Leu (NM_001320157.4); c.4349G>T, p.Arg1450Leu (NM_001330077.2); c.4340G>T, p.Arg1447Leu (NM_001330082.2); and 12 more; short protein forms R1398L, R1457L, R393L, R420L, R1388L, R1391L, R1447L, R1449L.
Identifiers: ClinVar variation 2765668 (VCV002765668.3), dbSNP rs763582196, ClinGen allele CA346818499.